The following is an entry in ClinVar:

NM_003718.5(CDK13):c.1462A>G (p.Lys488Glu)

Gene: CDK13 (cyclin dependent kinase 13; plus strand). Cytogenetic location: 7p14.1.
Variant type: single nucleotide variant.
Coding change: c.1462A>G on transcript NM_003718.5 (MANE Select); coding-DNA position 1462, A replaced by G.
Protein change: p.Lys488Glu; replaces lysine 488 with glutamic acid.
Molecular consequence: missense variant.
Genome position (GRCh38, 1-based): chr7:39,987,849, A>G. VCF-style: chr7-39987849-A-G. GRCh37 (hg19) VCF-style: chr7-40027448-A-G.
Other names: c.1462A>G, p.Lys488Glu (NM_031267.4); short protein forms K488E.
Identifiers: ClinVar variation 975511 (VCV000975511.32), dbSNP rs780866053, ClinGen allele CA4228497.
Genomic context (GRCh38, chr7:39,987,849, plus strand): 5'-GCAGAAGCAGCGAAAGCTGCAGAAGCAACTAAGGCTGCTGAGGCTGCTGCCAAGGCTGCA[A>G]AAGCTTCAAACACTTCTACACCTACCAAGGGGAACACGGAAACTAGTGCCAGTGCATCAC-3'
Protein context (NP_003709.3, residues 478-498): KAAEAAAKAA[Lys488Glu]ASNTSTPTKG

ClinVar aggregate classification (germline): Likely benign. Review status: criteria provided, multiple submitters, no conflicts (2 of 4 stars). 5 submissions from 5 submitters: Likely benign (4). 1 of the submissions does not count toward it. Last evaluated 2026-10-01.

Conditions:
Inborn genetic diseases. Identifiers: MedGen C0950123, MeSH D030342.
Intellectual disability. Also called: Intellectual developmental disorder; Intellectual functioning disability; intellectual disabilities. Identifiers: MedGen C3714756, MeSH D008607, MONDO:0001071, HP:0001249.

Allele frequency attached by ClinVar (database versions not stated): TOPMed 0.00003; gnomAD 0.00005; gnomAD exomes 0.00005 and 0.00006; ExAC 0.00006.
gnomAD v4.1: 84 of 1,614,100 alleles (0.0052%); highest among the groups gnomAD compares: Non-Finnish European, 0.0065%; no homozygotes.

Submissions (5):

CeGaT Center for Human Genetics Tuebingen
Classification: Likely benign. Last evaluated: 2026-10-01. Review status: criteria provided, single submitter. Criteria: CeGaT Center For Human Genetics Tuebingen Variant Classification Criteria Version 2. Collection method: clinical testing. Allele origin: germline. Affected: yes. Observed: 6 variant alleles.
Comment: CDK13: BP4, BS2

Labcorp Genetics (formerly Invitae), Labcorp
Classification: Likely benign. Last evaluated: 2026-01-28. Review status: criteria provided, single submitter. Criteria: Invitae Variant Classification Sherloc (09022015). Collection method: clinical testing. Allele origin: germline.

Laboratory of Genetics, Children's Clinical University Hospital Latvia
Classification: Likely benign. Last evaluated: 2025-02-16. Review status: criteria provided, single submitter. Criteria: ACMG Guidelines, 2015. Collection method: clinical testing. Allele origin: germline. Affected: yes.

Ambry Genetics
Classification: Likely benign for Inborn genetic diseases. Last evaluated: 2021-07-15. Review status: criteria provided, single submitter. Criteria: Ambry Variant Classification Scheme 2023. Collection method: clinical testing. Allele origin: germline.

Centre de Biologie Pathologie Génétique, Centre Hospitalier Universitaire de Lille
Classification: Likely benign for Intellectual disability. Last evaluated: 2019-01-01. Review status: no assertion criteria provided. Collection method: clinical testing. Allele origin: inherited. Affected: yes. Not counted in ClinVar's aggregate classification.